The following continues an entry in ClinVar:

NM_000053.4(ATP7B):c.1543+1G>T

Gene: ATP7B. ClinVar aggregate classification (germline): Pathogenic/Likely pathogenic. Pathogenic (9); Likely pathogenic (3).

Submissions 11 to 14 of 14:

Ambry Genetics
Classification: Pathogenic for Inborn genetic diseases. Last evaluated: 2014-12-23. Review status: criteria provided, single submitter. Criteria: Ambry Variant Classification Scheme 2023. Collection method: clinical testing. Allele origin: germline.
Comment: The c.1543+1G>T intronic pathogenic mutation results from a G to T substitution one nucleotide after coding exon 3 of the ATP7B gene. This nucleotide position is well conserved in available vertebrate species. This mutation has been identified in several individuals with classic Wilson disease; however, phase was not determined for any of these individuals (Loudianos G, et al. Hum. Mutat. 1998;12(2):89-94. Hui J, et al. World J Pediatr 2013;9(4):361-4. Wang LH, et al. J. Hum. Genet. 2011 Sep; 56(9):660-5). Additionally, a different well characterized mutation: c.1543+1G>C, has been reported at the same nucleotide position. In addition to the clinical data presented in the literature, since alterations that disrupt the canonical splice donor site are typically deleterious in nature, this alteration is interpreted as a disease-causing mutation (ACMG Recommendations for Standards for Interpretation and Reporting of Sequence Variations. Revision 2007. Genet Med. 2008;10:294).

Juno Genomics, Hangzhou Juno Genomics, Inc
Classification: Likely pathogenic for Wilson disease. Review status: criteria provided, single submitter. Criteria: ACMG Guidelines, 2015. Collection method: clinical testing. Allele origin: germline.
Comment: Absent from controls (or at extremely low frequency if recessive) in Genome Aggregation Database.;Null variant in a gene where loss of function (LOF) is a known mechanism of disease.;For recessive disorders, detected in trans with a pathogenic variant.;Patient's phenotype or family history is highly specific for a disease with a single genetic etiology.

SingHealth Duke-NUS Institute of Precision Medicine
Classification: Pathogenic for Wilson disease. Last evaluated: 2017-06-07. Review status: no assertion criteria provided. Collection method: curation. Allele origin: germline. Affected: no. Not counted in ClinVar's aggregate classification.

Chongqing Key Laboratory of Child Rare Diseases in Infection and Immunity, Children’s Hospital of Chongqing Medical University
Classification: Uncertain significance for Wilson disease. Last evaluated: 2024-01-01. Review status: flagged submission. Criteria: ACMG Guidelines, 2015. Collection method: clinical testing. Allele origin: germline. Inheritance: Autosomal recessive inheritance. Affected: yes. Not counted in ClinVar's aggregate classification.
Comment: Classified as Uncertain significance according to the ACMG/AMP 2015 guidelines (PMID:25741868). The classification was based on the available submitted evidence for Wilson disease (OMIM:277900), including clinical-testing observations, variant consequence/protein annotation, and published or ClinVar evidence where available. Supporting information considered: variant annotation: p.?; Splicing; submitted notation: NM_000053.4:c.1543+1G>T (p.?); source variant type: Splicing; source domain: NA; allele count n=230: 3.
ClinVar note: Reason: Outlier claim with insufficient supporting evidence

Literature cited by the submitters: PubMed 35220961 (cited by Natera, Inc.); PubMed 16199547 (cited by Labcorp Genetics (formerly Invitae), Labcorp); PubMed 10441329 (cited by Labcorp Genetics (formerly Invitae), Labcorp); PubMed 16283883 (cited by Labcorp Genetics (formerly Invitae), Labcorp); PubMed 21796144 (cited by 3 submitters); PubMed 9671269 (cited by 3 submitters); PubMed 15024742 (cited by All of Us Research Program, National Institutes of Health and Ambry Genetics); PubMed 17587212 (cited by All of Us Research Program, National Institutes of Health and Ambry Genetics); PubMed 18034201 (cited by All of Us Research Program, National Institutes of Health); PubMed 24146181 (cited by All of Us Research Program, National Institutes of Health and Ambry Genetics); PubMed 24475083 (cited by All of Us Research Program, National Institutes of Health); PubMed 27022412 (cited by All of Us Research Program, National Institutes of Health); PubMed 27982432 (cited by All of Us Research Program, National Institutes of Health); PubMed 29095814 (cited by All of Us Research Program, National Institutes of Health); PubMed 29930488 (cited by All of Us Research Program, National Institutes of Health); PubMed 29961769 (cited by All of Us Research Program, National Institutes of Health); PubMed 31172689 (cited by All of Us Research Program, National Institutes of Health); PubMed 34240825 (cited by All of Us Research Program, National Institutes of Health); PubMed 34324271 (cited by All of Us Research Program, National Institutes of Health); PubMed 34400371 (cited by All of Us Research Program, National Institutes of Health); PubMed 35444691 (cited by All of Us Research Program, National Institutes of Health); PubMed 35470480 (cited by All of Us Research Program, National Institutes of Health); PubMed 37020998 (cited by All of Us Research Program, National Institutes of Health).